The following is an entry in ClinVar:

NM_000059.4(BRCA2):c.1908del (p.Gly637fs)

Gene: BRCA2 (BRCA2 DNA repair associated; plus strand). Cytogenetic location: 13q13.1.
Variant type: Deletion.
Coding change: c.1908del on transcript NM_000059.4 (MANE Select); coding-DNA position 1908, one base deleted (A; older notation c.1908delA).
Protein change: p.Gly637fs; shifts the reading frame from glycine 637.
Molecular consequence: frameshift variant. On other transcripts: non-coding transcript variant (1), intron variant (1).
Genome position (GRCh38, 1-based): chr13:32,333,386, A deleted. VCF-style (leftmost placement, unchanged base first): chr13-32333385-CA-C. GRCh37 (hg19) VCF-style: chr13-32907522-CA-C.
Other names: c.1908delA (NM_000059.4); c.1908del, p.Gly637fs (NM_001406719.1, NM_001406720.1, NM_001406721.1); c.424+2356del (NM_001406722.1); short protein forms G637fs.
Identifiers: ClinVar variation 3148682 (VCV003148682.4), dbSNP rs2137476272, ClinGen allele CA2727671064.

ClinVar aggregate classification (germline): Pathogenic/Likely pathogenic. Review status: criteria provided, multiple submitters, no conflicts (2 of 4 stars). 3 submissions from 3 submitters: Pathogenic (2); Likely pathogenic (1). Last evaluated 2024-05-16.

Conditions:
Breast-ovarian cancer, familial, susceptibility to, 2 (BROVCA2). Also called: BRCA2 Hereditary Breast and Ovarian Cancer. Identifiers: Orphanet 145, MedGen C2675520, MONDO:0012933, OMIM 612555. Disease mechanism: loss of function.
Hereditary breast ovarian cancer syndrome. Also called: Hereditary breast and ovarian cancer; Breast and ovarian cancer; Hereditary breast and/or ovarian cancer syndrome; BRCA1- and BRCA2-Associated Hereditary Breast and Ovarian Cancer; Hereditary breast and ovarian cancer syndrome; Hereditary breast and ovarian cancer syndrome (HBOC). Identifiers: Orphanet 145, MedGen C0677776, MeSH D061325, MONDO:0003582. Disease mechanism: loss of function.

Submissions (3):

Women's Health and Genetics/Laboratory Corporation of America, LabCorp
Classification: Pathogenic for Hereditary breast ovarian cancer syndrome. Last evaluated: 2024-05-16. Review status: criteria provided, single submitter. Criteria: LabCorp Variant Classification Summary - May 2015. Collection method: clinical testing. Allele origin: germline.
Comment: Variant summary: BRCA2 c.1908delA (p.Gly637ValfsX7) results in a premature termination codon, predicted to cause a truncation of the encoded protein or absence of the protein due to nonsense mediated decay, which are commonly known mechanisms for disease. The variant was absent in 239568 control chromosomes (gnomAD). To our knowledge, no occurrence of c.1908delA in individuals affected with hereditary breast and ovarian cancer syndrome and no experimental evidence demonstrating its impact on protein function have been reported. ClinVar contains an entry for this variant (Variation ID: 3148682). Based on the evidence outlined above, the variant was classified as pathogenic.

Labcorp Genetics (formerly Invitae), Labcorp
Classification: Pathogenic for Hereditary breast ovarian cancer syndrome. Last evaluated: 2024-02-23. Review status: criteria provided, single submitter. Criteria: Invitae Variant Classification Sherloc (09022015). Collection method: clinical testing. Allele origin: germline.
Comment: This sequence change creates a premature translational stop signal (p.Gly637Valfs*7) in the BRCA2 gene. It is expected to result in an absent or disrupted protein product. Loss-of-function variants in BRCA2 are known to be pathogenic (PMID: 20104584). This variant is not present in population databases (gnomAD no frequency). This variant has not been reported in the literature in individuals affected with BRCA2-related conditions. Algorithms developed to predict the effect of sequence changes on RNA splicing suggest that this variant may disrupt the consensus splice site. For these reasons, this variant has been classified as Pathogenic.

Myriad Genetics, Inc.
Classification: Likely pathogenic for Breast-ovarian cancer, familial, susceptibility to, 2. Last evaluated: 2024-01-18. Review status: criteria provided, single submitter. Criteria: Myriad Autosomal Dominant, Autosomal Recessive and X-Linked Classification Criteria (2023). Collection method: clinical testing. Allele origin: unknown.
Comment: This variant is considered likely pathogenic. This variant creates a frameshift predicted to result in premature protein truncation.

Literature cited by the submitters: PubMed 20104584 (cited by Labcorp Genetics (formerly Invitae), Labcorp).